The following is an entry in ClinVar:

ClinVar aggregate classification (germline): Uncertain significance. Review status: criteria provided, multiple submitters, no conflicts (2 of 4 stars). 2 submissions from 2 submitters: Uncertain significance (2). Last evaluated 2025-08-04.

Conditions:
Inborn genetic diseases. Identifiers: MedGen C0950123, MeSH D030342.

Allele frequency attached by ClinVar (database versions not stated): ExAC 0.00001.
gnomAD v4.1: 11 of 1,613,946 alleles (0.00068%); highest among the groups gnomAD compares: East Asian, 0.011%; no homozygotes.

Submissions (2):

Labcorp Genetics (formerly Invitae), Labcorp
Classification: Uncertain significance. Last evaluated: 2025-08-04. Review status: criteria provided, single submitter. Criteria: Invitae Variant Classification Sherloc (09022015). Collection method: clinical testing. Allele origin: germline.
Comment: This sequence change replaces arginine, which is basic and polar, with leucine, which is neutral and non-polar, at codon 290 of the RIN2 protein (p.Arg290Leu). This variant is present in population databases (rs766615196, gnomAD 0.01%). This variant has not been reported in the literature in individuals affected with RIN2-related conditions. ClinVar contains an entry for this variant (Variation ID: 2414306). Experimental studies and prediction algorithms are not available or were not evaluated, and the functional significance of this variant is currently unknown. In summary, the available evidence is currently insufficient to determine the role of this variant in disease. Therefore, it has been classified as a Variant of Uncertain Significance.

Ambry Genetics
Classification: Uncertain significance for Inborn genetic diseases. Last evaluated: 2024-01-31. Review status: criteria provided, single submitter. Criteria: Ambry Variant Classification Scheme 2023. Collection method: clinical testing. Allele origin: germline.

NM_018993.4(RIN2):c.869G>T (p.Arg290Leu)

Gene: RIN2 (Ras and Rab interactor 2; plus strand). Cytogenetic location: 20p11.23.
Variant type: single nucleotide variant.
Coding change: c.869G>T on transcript NM_018993.4 (MANE Select); coding-DNA position 869, G replaced by T.
Protein change: p.Arg290Leu; replaces arginine 290 with leucine.
Molecular consequence: missense variant.
Genome position (GRCh38, 1-based): chr20:19,974,894, G>T. VCF-style: chr20-19974894-G-T. GRCh37 (hg19) VCF-style: chr20-19955538-G-T.
Other names: c.1016G>T, p.Arg339Leu (NM_001242581.2); c.251G>T, p.Arg84Leu (NM_001378238.1); c.869G>T (NM_018993.3); short protein forms R290L, R339L, R84L.
Identifiers: ClinVar variation 2414306 (VCV002414306.6), dbSNP rs766615196, ClinGen allele CA9779953.